The following is an entry in ClinVar:

NM_153717.3(EVC):c.1320T>A (p.Phe440Leu)

Gene: EVC (EvC ciliary complex subunit 1; plus strand). Cytogenetic location: 4p16.2.
Variant type: single nucleotide variant.
Coding change: c.1320T>A on transcript NM_153717.3 (MANE Select); coding-DNA position 1320, T replaced by A.
Protein change: p.Phe440Leu; replaces phenylalanine 440 with leucine.
Molecular consequence: missense variant.
Genome position (GRCh38, 1-based): chr4:5,753,789, T>A. VCF-style: chr4-5753789-T-A. GRCh37 (hg19) VCF-style: chr4-5755516-T-A.
Other names: c.1320T>A, p.Phe440Leu (NM_001306090.2, NM_001306092.2); short protein forms F440L.
Identifiers: ClinVar variation 167043 (VCV000167043.28), dbSNP rs60582583, ClinGen allele CA180003.

ClinVar aggregate classification (germline): Benign/Likely benign. Review status: criteria provided, multiple submitters, no conflicts (2 of 4 stars). 10 submissions from 10 submitters: Benign (6); Likely benign (1). 3 of the submissions do not count toward it. Last evaluated 2026-05-11.

Conditions:
Ellis-van Creveld syndrome (EVC). Also called: Chondroectodermal dysplasia; MESOECTODERMAL DYSPLASIA. Identifiers: Orphanet 289, MedGen C0013903, MONDO:0009162, OMIM 225500.
Curry-Hall syndrome (WAD). Also called: WEYERS ACRODENTAL DYSOSTOSIS. Identifiers: Orphanet 952, MedGen C0457013, MONDO:0008673, OMIM 193530.

Allele frequency attached by ClinVar (database versions not stated): gnomAD exomes 0.00896 and 0.01456; ExAC 0.01272; 1000 Genomes Project 30x 0.01390; ESP Exome Variant Server 0.00523; gnomAD 0.00733 and 0.00780; 1000 Genomes Project 0.01338; TOPMed 0.01002.
gnomAD v4.1: 14,326 of 1,614,164 alleles (0.89%); highest among the groups gnomAD compares: East Asian, 4.9%; 158 homozygotes.

Submissions (10):

Women's Health and Genetics/Laboratory Corporation of America, LabCorp
Classification: Likely benign. Last evaluated: 2026-05-11. Review status: criteria provided, single submitter. Criteria: LabCorp Variant Classification Summary - May 2015. Collection method: clinical testing. Allele origin: germline.

Labcorp Genetics (formerly Invitae), Labcorp
Classification: Benign for Curry-Hall syndrome; Ellis-van Creveld syndrome. Last evaluated: 2026-02-02. Review status: criteria provided, single submitter. Criteria: Invitae Variant Classification Sherloc (09022015). Collection method: clinical testing. Allele origin: germline.

ARUP Laboratories, Molecular Genetics and Genomics, ARUP Laboratories
Classification: Benign. Last evaluated: 2023-11-07. Review status: criteria provided, single submitter. Criteria: ARUP Molecular Germline Variant Investigation Process 2024. Collection method: clinical testing. Allele origin: germline.

Illumina Laboratory Services, Illumina
Classification: Benign for Ellis-van Creveld syndrome. Last evaluated: 2018-01-13. Review status: criteria provided, single submitter. Criteria: ICSL Variant Classification Criteria 13 December 2019. Collection method: clinical testing. Allele origin: germline.
Comment: This variant was observed in the ICSL laboratory as part of a predisposition screen in an ostensibly healthy population. It had not been previously curated by ICSL or reported in the Human Gene Mutation Database (HGMD: prior to June 1st, 2018), and was therefore a candidate for classification through an automated scoring system. Utilizing variant allele frequency, disease prevalence and penetrance estimates, and inheritance mode, an automated score was calculated to assess if this variant is too frequent to cause the disease. Based on the score and internal cut-off values, a variant classified as benign is not then subjected to further curation. The score for this variant resulted in a classification of benign for this disease.

GeneDx
Classification: Benign. Last evaluated: 2016-06-01. Review status: criteria provided, single submitter. Criteria: GeneDx Variant Classification (06012015). Collection method: clinical testing. Allele origin: germline. Affected: yes.
Comment: This variant is considered likely benign or benign based on one or more of the following criteria: it is a conservative change, it occurs at a poorly conserved position in the protein, it is predicted to be benign by multiple in silico algorithms, and/or has population frequency not consistent with disease.

Eurofins Ntd Llc (ga)
Classification: Benign. Last evaluated: 2014-04-03. Review status: criteria provided, single submitter. Criteria: EGL Classification Definitions 2015. Collection method: clinical testing. Allele origin: germline. Observed: 1 variant allele, 1 heterozygote.

Breakthrough Genomics
Classification: Benign. Review status: criteria provided, single submitter. Criteria: ACMG Guidelines, 2015. Collection method: not provided. Allele origin: germline. Inheritance: Autosomal recessive inheritance. Affected: yes.

Natera, Inc.
Classification: Benign for Ellis-van Creveld syndrome. Last evaluated: 2020-09-16. Review status: no assertion criteria provided. Collection method: clinical testing. Allele origin: germline. Not counted in ClinVar's aggregate classification.

Genome Diagnostics Laboratory, University Medical Center Utrecht
Classification: Benign. Review status: no assertion criteria provided. Collection method: clinical testing. Allele origin: germline. Affected: yes. Study: VKGL Data-share Consensus. Not counted in ClinVar's aggregate classification.

Laboratory of Diagnostic Genome Analysis, Leiden University Medical Center (LUMC)
Classification: Likely benign. Review status: no assertion criteria provided. Collection method: clinical testing. Allele origin: germline. Affected: yes. Study: VKGL Data-share Consensus. Not counted in ClinVar's aggregate classification.